The following is an entry in ClinVar:

NC_000002.11:g.(?_48027093)_(48031690_?)del

Gene: MSH6 (mutS homolog 6; plus strand). Cytogenetic location: 2p16.3.
Variant type: Deletion.
Identifiers: ClinVar variation 3247084 (VCV003247084.1).

ClinVar aggregate classification (germline): Likely pathogenic (1 of 4 stars; one submission).

Conditions:
Hereditary nonpolyposis colorectal neoplasms. Identifiers: MedGen C0009405, MeSH D003123.

Submission:

Labcorp Genetics (formerly Invitae), Labcorp
Classification: Likely pathogenic for Hereditary nonpolyposis colorectal neoplasms. Last evaluated: 2019-09-06. Review status: criteria provided, single submitter. Criteria: Invitae Variant Classification Sherloc (09022015). Collection method: clinical testing. Allele origin: unknown.
Comment: In summary, the currently available evidence indicates that the variant is pathogenic, but additional data are needed to prove that conclusively. Therefore, this variant has been classified as Likely Pathogenic. Loss-of-function variants in MSH6 are known to be pathogenic (PMID: 18269114, 24362816). This variant has not been reported in the literature in individuals with MSH6-related conditions. This variant results in the deletion of part of exon 4 and exon 5 (c.1972_3439-358delinsA) of the MSH6 gene. It is expected to disrupt RNA splicing and likely results in an absent or disrupted protein product.

Literature cited by the submitters: PubMed 18269114; PubMed 24362816.